The following is an entry in ClinVar:

ClinVar aggregate classification (germline): Uncertain significance (1 of 4 stars; one submission).

Submission:

Ambry Genetics
Classification: Uncertain significance. Last evaluated: 2022-04-29. Review status: criteria provided, single submitter. Criteria: Ambry Variant Classification Scheme 2023. Collection method: clinical testing. Allele origin: germline.
Comment: The p.E109D variant (also known as c.327G>C), located in coding exon 3 of the ALPK2 gene, results from a G to C substitution at nucleotide position 327. The glutamic acid at codon 109 is replaced by aspartic acid, an amino acid with highly similar properties. This amino acid position is conserved. In addition, this alteration is predicted to be tolerated by in silico analysis. Since supporting evidence is limited at this time, the clinical significance of this alteration remains unclear.

NM_052947.4(ALPK2):c.327G>C (p.Glu109Asp)

Gene: ALPK2 (alpha kinase 2; minus strand). Cytogenetic location: 18q21.31.
Variant type: single nucleotide variant.
Coding change: c.327G>C on transcript NM_052947.4 (MANE Select); coding-DNA position 327, G replaced by C.
Protein change: p.Glu109Asp; replaces glutamic acid 109 with aspartic acid.
Molecular consequence: missense variant.
Genome position (GRCh38, 1-based): chr18:58,580,449, C>G on the plus strand (G>C on the coding strand, the complement: ALPK2 is on the minus strand). VCF-style: chr18-58580449-C-G. GRCh37 (hg19) VCF-style: chr18-56247681-C-G.
Other names: short protein forms E109D.
Identifiers: ClinVar variation 1729725 (VCV001729725.2), dbSNP rs765767211, ClinGen allele CA402568227.